The following is an entry in ClinVar:

NM_000053.4(ATP7B):c.3977T>G (p.Val1326Gly)

Gene: ATP7B (ATPase copper transporting beta; minus strand). Cytogenetic location: 13q14.3.
Variant type: single nucleotide variant.
Coding change: c.3977T>G on transcript NM_000053.4 (MANE Select); coding-DNA position 3977, T replaced by G.
Protein change: p.Val1326Gly; replaces valine 1326 with glycine.
Molecular consequence: missense variant.
Genome position (GRCh38, 1-based): chr13:51,937,320, A>C on the plus strand (T>G on the coding strand, the complement: ATP7B is on the minus strand). VCF-style: chr13-51937320-A-C. GRCh37 (hg19) VCF-style: chr13-52511456-A-C.
Other names: c.3356T>G, p.Val1119Gly (NM_001005918.3); c.3644T>G, p.Val1215Gly (NM_001243182.2); c.3743T>G, p.Val1248Gly (NM_001330578.2, NM_001406527.1, NM_001406528.1); c.3725T>G, p.Val1242Gly (NM_001330579.2, NM_001406531.1, NM_001406532.1); c.3977T>G, p.Val1326Gly (NM_001406511.1, NM_001406512.1); c.3971T>G, p.Val1324Gly (NM_001406513.1); c.3944T>G, p.Val1315Gly (NM_001406514.1); c.3923T>G, p.Val1308Gly (NM_001406515.1, NM_001406516.1); and 21 more; short protein forms V1045G, V1099G, V1110G, V1119G, V1132G, V1162G, V1164G, V1177G.
Identifiers: ClinVar variation 3072995 (VCV003072995.1), dbSNP rs1957027346, ClinGen allele CA388020973.
Genomic context (GRCh38, chr13:51,937,320, plus strand): 5'-GGTAAGAGCTGCCTACCTGCTGCAATGGGTATCCCAACCAGGTTATAAATCAGTGCCAGG[A>C]CCAGGTTGATGCGTATCCTTCGGACAGTCCTCTTGGAAAGGTGAATGCTAGCCACCACAT-3'
Protein context (NP_000044.2, residues 1316-1336): RTVRRIRINL[Val1326Gly]LALIYNLVGI

ClinVar aggregate classification (germline): Uncertain significance (1 of 4 stars; one submission).

Conditions:
Wilson disease (WND). Also called: Wilson's disease. Identifiers: Orphanet 905, MedGen C0019202, MONDO:0010200, OMIM 277900. Disease mechanism: loss of function.

Submission:

All of Us Research Program, National Institutes of Health
Classification: Uncertain significance for Wilson disease. Last evaluated: 2023-08-15. Review status: criteria provided, single submitter. Criteria: ACMG Guidelines, 2015. Collection method: clinical testing. Allele origin: germline. Inheritance: Autosomal recessive inheritance. Observed: 1 variant allele, 1 heterozygote.
Comment: This missense variant replaces valine with glycine at codon 1326 of the ATP7B protein. Computational prediction suggests that this variant may have deleterious impact on protein structure and function (internally defined REVEL score threshold >= 0.7, PMID: 27666373). To our knowledge, functional studies have not been reported for this variant. This variant has not been reported in individuals affected with ATP7B-related disorders in the literature. This variant has not been identified in the general population by the Genome Aggregation Database (gnomAD). The available evidence is insufficient to determine the role of this variant in disease conclusively. Therefore, this variant is classified as a Variant of Uncertain Significance.

This study involves interpretation of variants in research participants for the purpose of population health screening. Participant phenotype was not available at the time of variant classification. Additional details can be found in publication PMID: 35346344, PMCID: PMC8962531